The following is an entry in ClinVar:

NM_006907.4(PYCR1):c.540+78G>A

Gene: PYCR1 (pyrroline-5-carboxylate reductase 1; minus strand). Cytogenetic location: 17q25.3.
Variant type: single nucleotide variant.
Coding change: c.540+78G>A on transcript NM_006907.4 (MANE Select); 78 bases into the intron after coding-DNA position 540, G replaced by A.
Molecular consequence: intron variant.
Genome position (GRCh38, 1-based): chr17:81,934,848, C>T on the plus strand (G>A on the coding strand, the complement: PYCR1 is on the minus strand). VCF-style: chr17-81934848-C-T. GRCh37 (hg19) VCF-style: chr17-79892724-C-T.
Other names: NC_000017.10:g.79892724C>T; c.540+78G>A (NM_001282279.2, NM_001330523.2, NM_001282280.2 and 1 more transcripts); c.621+78G>A (NM_001282281.2).
Identifiers: ClinVar variation 678652 (VCV000678652.3), dbSNP rs145279600, ClinGen allele CA15902629.

ClinVar aggregate classification (germline): Likely benign. Review status: criteria provided, multiple submitters, no conflicts (2 of 4 stars). 2 submissions from 2 submitters: Likely benign (2). Last evaluated 2018-06-14.

Allele frequency attached by ClinVar (database versions not stated): 1000 Genomes Project 30x 0.00812; 1000 Genomes Project 0.00919; TOPMed 0.01911; gnomAD 0.02003 and 0.02048.

Submissions (17):

GeneDx
Classification: Likely benign. Last evaluated: 2018-06-14. Review status: criteria provided, single submitter. Criteria: GeneDx Variant Classification (06012015). Collection method: clinical testing. Allele origin: germline. Affected: yes.
Comment: This variant is considered likely benign or benign based on one or more of the following criteria: it is a conservative change, it occurs at a poorly conserved position in the protein, it is predicted to be benign by multiple in silico algorithms, and/or has population frequency not consistent with disease.

Breakthrough Genomics
Classification: Likely benign. Review status: criteria provided, single submitter. Criteria: ACMG Guidelines, 2015. Collection method: not provided. Allele origin: germline. Inheritance: Autosomal recessive inheritance. Affected: yes.

Dr. Peter K. Rogan Lab, Western University
No classification provided (evidence only). Condition: Familial cancer of breast. Review status: no classification provided. Collection method: in vitro. Allele origin: not applicable. Functional consequence: skipped exon. Not counted in ClinVar's aggregate classification.

Dr. Peter K. Rogan Lab, Western University
No classification provided (evidence only). Condition: Familial cancer of breast. Review status: no classification provided. Collection method: in vitro. Allele origin: not applicable. Functional consequence: skipped exon. Not counted in ClinVar's aggregate classification.

Dr. Peter K. Rogan Lab, Western University
No classification provided (evidence only). Condition: Uterine corpus endometrial carcinoma. Review status: no classification provided. Collection method: in vitro. Allele origin: not applicable. Functional consequence: retained intron. Not counted in ClinVar's aggregate classification.

Dr. Peter K. Rogan Lab, Western University
No classification provided (evidence only). Condition: Cervical cancer. Review status: no classification provided. Collection method: in vitro. Allele origin: not applicable. Functional consequence: skipped exon, retained intron. Not counted in ClinVar's aggregate classification.

Dr. Peter K. Rogan Lab, Western University
No classification provided (evidence only). Condition: Sarcoma. Review status: no classification provided. Collection method: in vitro. Allele origin: not applicable. Functional consequence: skipped exon. Not counted in ClinVar's aggregate classification.

Dr. Peter K. Rogan Lab, Western University
No classification provided (evidence only). Condition: Sarcoma. Review status: no classification provided. Collection method: in vitro. Allele origin: not applicable. Functional consequence: skipped exon. Not counted in ClinVar's aggregate classification.

Dr. Peter K. Rogan Lab, Western University
No classification provided (evidence only). Condition: Sarcoma. Review status: no classification provided. Collection method: in vitro. Allele origin: not applicable. Functional consequence: skipped exon. Not counted in ClinVar's aggregate classification.

Dr. Peter K. Rogan Lab, Western University
No classification provided (evidence only). Condition: Sarcoma. Review status: no classification provided. Collection method: in vitro. Allele origin: not applicable. Functional consequence: skipped exon. Not counted in ClinVar's aggregate classification.

Dr. Peter K. Rogan Lab, Western University
No classification provided (evidence only). Condition: Sarcoma. Review status: no classification provided. Collection method: in vitro. Allele origin: not applicable. Functional consequence: skipped exon. Not counted in ClinVar's aggregate classification.

Dr. Peter K. Rogan Lab, Western University
No classification provided (evidence only). Condition: Malignant lymphoma, large B-cell, diffuse. Review status: no classification provided. Collection method: in vitro. Allele origin: not applicable. Functional consequence: skipped exon. Not counted in ClinVar's aggregate classification.

Dr. Peter K. Rogan Lab, Western University
No classification provided (evidence only). Condition: Thymoma. Review status: no classification provided. Collection method: in vitro. Allele origin: not applicable. Functional consequence: skipped exon. Not counted in ClinVar's aggregate classification.

Dr. Peter K. Rogan Lab, Western University
No classification provided (evidence only). Condition: Cholangiocarcinoma. Review status: no classification provided. Collection method: in vitro. Allele origin: not applicable. Functional consequence: skipped exon. Not counted in ClinVar's aggregate classification.

Dr. Peter K. Rogan Lab, Western University
No classification provided (evidence only). Condition: Malignant tumor of esophagus. Review status: no classification provided. Collection method: in vitro. Allele origin: not applicable. Functional consequence: skipped exon. Not counted in ClinVar's aggregate classification.

Dr. Peter K. Rogan Lab, Western University
No classification provided (evidence only). Condition: Malignant tumor of esophagus. Review status: no classification provided. Collection method: in vitro. Allele origin: not applicable. Functional consequence: skipped exon. Not counted in ClinVar's aggregate classification.

Dr. Peter K. Rogan Lab, Western University
No classification provided (evidence only). Condition: Malignant tumor of esophagus. Review status: no classification provided. Collection method: in vitro. Allele origin: not applicable. Functional consequence: skipped exon. Not counted in ClinVar's aggregate classification.